The following is an entry in ClinVar:

ClinVar aggregate classification (germline): Uncertain significance. Review status: criteria provided, multiple submitters, no conflicts (2 of 4 stars). 3 submissions from 3 submitters: Uncertain significance (3). Last evaluated 2026-06-19.

Conditions:
TECTA-related disorder. Also called: TECTA-related condition.
Inborn genetic diseases. Identifiers: MedGen C0950123, MeSH D030342.

Allele frequency attached by ClinVar (database versions not stated): ExAC 0.00004; gnomAD 0.00005; TOPMed 0.00005; ESP Exome Variant Server 0.00008.
gnomAD v4.1: 231 of 1,600,786 alleles (0.014%); highest among the groups gnomAD compares: Non-Finnish European, 0.019%; no homozygotes.

Submissions (3):

PreventionGenetics, part of Exact Sciences
Classification: Uncertain significance for TECTA-related condition. Last evaluated: 2026-06-19. Review status: criteria provided, single submitter. Criteria: ACMG Guidelines, 2015. Collection method: clinical testing. Allele origin: germline.
Comment: The TECTA c.2923C>T variant is predicted to result in the amino acid substitution p.Arg975Trp. To our knowledge, this variant has not been reported in the literature. This variant is reported in 0.014% of alleles in individuals of Latino descent in gnomAD. At this time, the clinical significance of this variant is uncertain due to the absence of conclusive functional and genetic evidence.

Labcorp Genetics (formerly Invitae), Labcorp
Classification: Uncertain significance. Last evaluated: 2026-01-12. Review status: criteria provided, single submitter. Criteria: Invitae Variant Classification Sherloc (09022015). Collection method: clinical testing. Allele origin: germline.
Comment: This sequence change replaces arginine, which is basic and polar, with tryptophan, which is neutral and slightly polar, at codon 975 of the TECTA protein (p.Arg975Trp). This variant is present in population databases (rs138696978, gnomAD 0.01%). This variant has not been reported in the literature in individuals affected with TECTA-related conditions. ClinVar contains an entry for this variant (Variation ID: 2765957). Invitae Evidence Modeling of protein sequence and biophysical properties (such as structural, functional, and spatial information, amino acid conservation, physicochemical variation, residue mobility, and thermodynamic stability) has been performed for this missense variant. However, the output from this modeling did not meet the statistical confidence thresholds required to predict the impact of this variant on TECTA protein function. In summary, the available evidence is currently insufficient to determine the role of this variant in disease. Therefore, it has been classified as a Variant of Uncertain Significance.

Ambry Genetics
Classification: Uncertain significance for Inborn genetic diseases. Last evaluated: 2025-03-09. Review status: criteria provided, single submitter. Criteria: Ambry Variant Classification Scheme 2023. Collection method: clinical testing. Allele origin: germline.

NM_005422.4(TECTA):c.2923C>T (p.Arg975Trp)

Genes: TBCEL-TECTA (TBCEL-TECTA readthrough; plus strand), TECTA (tectorin alpha; plus strand), LOC126861365 (P300/CBP strongly-dependent group 1 enhancer GRCh37_chr11:121000154-121001353; plus strand). Cytogenetic location: 11q23.3.
Variant type: single nucleotide variant.
Coding change: c.2923C>T on transcript NM_005422.4 (MANE Select); coding-DNA position 2923, C replaced by T.
Protein change: p.Arg975Trp; replaces arginine 975 with tryptophan.
Molecular consequence: missense variant.
Genome position (GRCh38, 1-based): chr11:121,130,193, C>T. VCF-style: chr11-121130193-C-T. GRCh37 (hg19) VCF-style: chr11-121000902-C-T.
Other names: c.2923C>T (NM_005422.2); c.3880C>T, p.Arg1294Trp (NM_001378761.1); short protein forms R1294W, R975W.
Identifiers: ClinVar variation 2765957 (VCV002765957.5), dbSNP rs138696978, ClinGen allele CA6327099.